The following is an entry in ClinVar:

NM_005159.5(ACTC1):c.*1G>A

Genes: GJD2-DT (GJD2 divergent transcript; plus strand), ACTC1 (actin alpha cardiac muscle 1; minus strand). Cytogenetic location: 15q14.
Variant type: single nucleotide variant.
Coding change: c.*1G>A on transcript NM_005159.5 (MANE Select); 1 bases downstream of the stop codon, G replaced by A.
Molecular consequence: 3 prime UTR variant.
Genome position (GRCh38, 1-based): chr15:34,790,411, C>T on the plus strand (G>A on the coding strand, the complement: ACTC1 is on the minus strand). VCF-style: chr15-34790411-C-T. GRCh37 (hg19) VCF-style: chr15-35082612-C-T.
Other names: c.*1G>A (NM_001406482.1, NM_001406483.1, NM_001406484.1 and 1 more transcripts).
Identifiers: ClinVar variation 2774856 (VCV002774856.2), dbSNP rs1226132498, ClinGen allele CA2627662017.

ClinVar aggregate classification (germline): Uncertain significance (1 of 4 stars; one submission).

Conditions:
Cardiomyopathy (CMYO). Also called: Cardiomyopathies. Identifiers: Orphanet 167848, MedGen C0878544, MONDO:0004994, HP:0001638. Inheritance: Various modes of inheritance.

Submission:

Color Diagnostics, LLC DBA Color Health
Classification: Uncertain significance for Cardiomyopathy. Last evaluated: 2021-12-20. Review status: criteria provided, single submitter. Criteria: ACMG Guidelines, 2015. Collection method: clinical testing. Allele origin: germline.
Comment: This variant is located in the 3' untranslated region of the ACTC1 gene. To our knowledge, functional studies have not been reported for this variant. This variant has not been reported in individuals affected with cardiovascular disorders in the literature. This variant has not been identified in the general population by the Genome Aggregation Database (gnomAD). The available evidence is insufficient to determine the role of this variant in disease conclusively. Therefore, this variant is classified as a Variant of Uncertain Significance.